The following is an entry in ClinVar:

NM_001848.3(COL6A1):c.497A>G (p.Lys166Arg)

Gene: COL6A1 (collagen type VI alpha 1 chain; plus strand). Cytogenetic location: 21q22.3.
Variant type: single nucleotide variant.
Coding change: c.497A>G on transcript NM_001848.3 (MANE Select); coding-DNA position 497, A replaced by G.
Protein change: p.Lys166Arg; replaces lysine 166 with arginine.
Molecular consequence: missense variant.
Genome position (GRCh38, 1-based): chr21:45,986,594, A>G. VCF-style: chr21-45986594-A-G. GRCh37 (hg19) VCF-style: chr21-47406508-A-G.
Other names: short protein forms K166R.
Identifiers: ClinVar variation 940020 (VCV000940020.10), dbSNP rs980266782, ClinGen allele CA321958596.

ClinVar aggregate classification (germline): Uncertain significance (1 of 4 stars; one submission).

Conditions:
Bethlem myopathy 1A. Also called: Bethlem Muscular Dystrophy; MYOPATHY, BENIGN CONGENITAL, WITH CONTRACTURES; Bethlem myopathy 1. Identifiers: Orphanet 610, MedGen CN029274, MONDO:0024530, OMIM 158810.

Allele frequency attached by ClinVar (database versions not stated): gnomAD exomes 0.00001.
gnomAD v4.1: 7 of 1,562,644 alleles (0.00045%); highest among the groups gnomAD compares: African/African-American, 0.0027%; no homozygotes.

Submission:

Labcorp Genetics (formerly Invitae), Labcorp
Classification: Uncertain significance for Bethlem myopathy 1A. Last evaluated: 2024-02-11. Review status: criteria provided, single submitter. Criteria: Invitae Variant Classification Sherloc (09022015). Collection method: clinical testing. Allele origin: germline.
Comment: This sequence change replaces lysine, which is basic and polar, with arginine, which is basic and polar, at codon 166 of the COL6A1 protein (p.Lys166Arg). The frequency data for this variant in the population databases is considered unreliable, as metrics indicate poor data quality at this position in the gnomAD database. This variant has not been reported in the literature in individuals affected with COL6A1-related conditions. ClinVar contains an entry for this variant (Variation ID: 940020). Advanced modeling of protein sequence and biophysical properties (such as structural, functional, and spatial information, amino acid conservation, physicochemical variation, residue mobility, and thermodynamic stability) performed at Invitae indicates that this missense variant is not expected to disrupt COL6A1 protein function with a negative predictive value of 95%. In summary, the available evidence is currently insufficient to determine the role of this variant in disease. Therefore, it has been classified as a Variant of Uncertain Significance.